The following is an entry in ClinVar:

NM_203447.4(DOCK8):c.4448C>T (p.Ala1483Val)

Gene: DOCK8 (dedicator of cytokinesis 8; plus strand). Cytogenetic location: 9p24.3.
Variant type: single nucleotide variant.
Coding change: c.4448C>T on transcript NM_203447.4 (MANE Select); coding-DNA position 4448, C replaced by T.
Protein change: p.Ala1483Val; replaces alanine 1483 with valine.
Molecular consequence: missense variant.
Genome position (GRCh38, 1-based): chr9:428,471, C>T. VCF-style: chr9-428471-C-T. GRCh37 (hg19) VCF-style: chr9-428471-C-T.
Other names: c.4148C>T, p.Ala1383Val (NM_001190458.2); c.4244C>T, p.Ala1415Val (NM_001193536.2); short protein forms A1383V, A1415V, A1483V.
Identifiers: ClinVar variation 2893992 (VCV002893992.3), dbSNP rs759571992, ClinGen allele CA4959078.

ClinVar aggregate classification (germline): Uncertain significance (1 of 4 stars; one submission).

Conditions:
Combined immunodeficiency due to DOCK8 deficiency (HIES2). Also called: Hyper-IgE recurrent infection syndrome, autosomal recessive; HIES autosomal recessive; HYPER-IgE SYNDROME 2, AUTOSOMAL RECESSIVE, WITH RECURRENT INFECTIONS; HYPER-IgE RECURRENT INFECTION SYNDROME 2, AUTOSOMAL RECESSIVE; DOCK8 Deficiency. Identifiers: Orphanet 217390, MedGen C4722305, MONDO:0009478, OMIM 243700.

Allele frequency attached by ClinVar (database versions not stated): gnomAD exomes below 0.00001; ExAC 0.00001; gnomAD 0.00001.
gnomAD v4.1: 7 of 1,614,090 alleles (0.00043%); highest among the groups gnomAD compares: African/African-American, 0.0013%; no homozygotes.

Submission:

Labcorp Genetics (formerly Invitae), Labcorp
Classification: Uncertain significance for Combined immunodeficiency due to DOCK8 deficiency. Last evaluated: 2023-07-16. Review status: criteria provided, single submitter. Criteria: Invitae Variant Classification Sherloc (09022015). Collection method: clinical testing. Allele origin: germline.
Comment: In summary, the available evidence is currently insufficient to determine the role of this variant in disease. Therefore, it has been classified as a Variant of Uncertain Significance. Advanced modeling of protein sequence and biophysical properties (such as structural, functional, and spatial information, amino acid conservation, physicochemical variation, residue mobility, and thermodynamic stability) performed at Invitae indicates that this missense variant is not expected to disrupt DOCK8 protein function. This variant has not been reported in the literature in individuals affected with DOCK8-related conditions. This variant is present in population databases (rs759571992, gnomAD 0.002%). This sequence change replaces alanine, which is neutral and non-polar, with valine, which is neutral and non-polar, at codon 1483 of the DOCK8 protein (p.Ala1483Val).